The following is an entry in ClinVar:

ClinVar aggregate classification (germline): Likely pathogenic (1 of 4 stars; one submission).

Conditions:
Hereditary spastic paraplegia 11. Also called: Spastic paraplegia, mental retardation and thin corpus callosum; SPASTIC PARAPLEGIA, AUTOSOMAL RECESSIVE, COMPLICATED, WITH THIN CORPUS CALLOSUM; SPASTIC PARAPLEGIA, AUTOSOMAL RECESSIVE, WITH MENTAL IMPAIRMENT AND THIN CORPUS CALLOSUM; Spastic Paraplegia 11; Nakamura Osame syndrome; Autosomal recessive hereditary spastic paraplegia, mental impairment, and thin corpus callosum. Identifiers: Orphanet 2822, MedGen C1858479, MONDO:0011445, OMIM 604360.

gnomAD v4.1: 2 of 1,613,280 alleles (0.00012%); highest among the groups gnomAD compares: Non-Finnish European, 0.00017%; no homozygotes.

Submissions (2):

Labcorp Genetics (formerly Invitae), Labcorp
Classification: Likely pathogenic for Hereditary spastic paraplegia 11. Last evaluated: 2024-11-10. Review status: criteria provided, single submitter. Criteria: Invitae Variant Classification Sherloc (09022015). Collection method: clinical testing. Allele origin: germline.
Comment: This sequence change affects a donor splice site in intron 20 of the SPG11 gene. It is expected to disrupt RNA splicing. Variants that disrupt the donor or acceptor splice site typically lead to a loss of protein function (PMID: 16199547), and loss-of-function variants in SPG11 are known to be pathogenic (PMID: 19105190, 20110243, 22154821, 26556829). This variant is not present in population databases (gnomAD no frequency). This variant has not been reported in the literature in individuals affected with SPG11-related conditions. Algorithms developed to predict the effect of sequence changes on RNA splicing suggest that this variant may disrupt the consensus splice site. In summary, the currently available evidence indicates that the variant is pathogenic, but additional data are needed to prove that conclusively. Therefore, this variant has been classified as Likely Pathogenic.

Dr. Peter K. Rogan Lab, Western University
No classification provided (evidence only). Condition: Ovarian serous cystadenocarcinoma. Review status: no classification provided. Collection method: in vitro. Allele origin: not applicable. Functional consequence: retained intron. Not counted in ClinVar's aggregate classification.

Literature cited by the submitters: PubMed 16199547 (cited by Labcorp Genetics (formerly Invitae), Labcorp); PubMed 19105190 (cited by Labcorp Genetics (formerly Invitae), Labcorp); PubMed 20110243 (cited by Labcorp Genetics (formerly Invitae), Labcorp); PubMed 22154821 (cited by Labcorp Genetics (formerly Invitae), Labcorp); PubMed 26556829 (cited by Labcorp Genetics (formerly Invitae), Labcorp).

NM_025137.4(SPG11):c.3520+1G>A

Gene: SPG11 (SPG11 vesicle trafficking associated, spatacsin; minus strand). Cytogenetic location: 15q21.1.
Variant type: single nucleotide variant.
Coding change: c.3520+1G>A on transcript NM_025137.4 (MANE Select); the canonical splice donor site of the intron after coding-DNA position 3520, G replaced by A.
Molecular consequence: splice donor variant.
Genome position (GRCh38, 1-based): chr15:44,606,024, C>T on the plus strand (G>A on the coding strand, the complement: SPG11 is on the minus strand). VCF-style: chr15-44606024-C-T. GRCh37 (hg19) VCF-style: chr15-44898222-C-T.
Other names: c.3520+1G>A (NM_001411132.1, NM_001160227.2).
Identifiers: ClinVar variation 3692949 (VCV003692949.3).